The following is an entry in ClinVar:

NM_002227.4(JAK1):c.3289G>T (p.Gly1097Cys)

Gene: JAK1 (Janus kinase 1; minus strand). Cytogenetic location: 1p31.3.
Variant type: single nucleotide variant.
Coding change: c.3289G>T on transcript NM_002227.4 (MANE Select); coding-DNA position 3289, G replaced by T.
Protein change: p.Gly1097Cys; replaces glycine 1097 with cysteine.
Molecular consequence: missense variant.
Genome position (GRCh38, 1-based): chr1:64,835,476, C>A on the plus strand (G>T on the coding strand, the complement: JAK1 is on the minus strand). VCF-style: chr1-64835476-C-A. GRCh37 (hg19) VCF-style: chr1-65301159-C-A.
Other names: c.3289G>T, p.Gly1097Cys (NM_001320923.2, NM_001321852.2, NM_001321853.2 and 3 more transcripts); c.3286G>T, p.Gly1096Cys (NM_001321857.2); short protein forms G1096C, G1097C.
Identifiers: ClinVar variation 1488494 (VCV001488494.6), dbSNP rs2100930292, ClinGen allele CA340660273.
Genomic context (GRCh38, chr1:64,835,476, plus strand): 5'-GGCACGGCAGGCGTTTTCCTTCTTTTAACGTATTCACAAGTCTTGTGACTGTCATCTGGC[C>A]ATGGGTTGGGCCTATCATTTTCAGGAACAACTATATAAAATAAAATCAAACAAAACGTTT-3'
Protein context (NP_002218.2, residues 1087-1107): LFLKMIGPTH[Gly1097Cys]QMTVTRLVNT

ClinVar aggregate classification (germline): Uncertain significance (1 of 4 stars; one submission).

Submission:

Labcorp Genetics (formerly Invitae), Labcorp
Classification: Uncertain significance. Last evaluated: 2021-10-20. Review status: criteria provided, single submitter. Criteria: Invitae Variant Classification Sherloc (09022015). Collection method: clinical testing. Allele origin: germline.
Comment: In summary, the available evidence is currently insufficient to determine the role of this variant in disease. Therefore, it has been classified as a Variant of Uncertain Significance. Algorithms developed to predict the effect of missense changes on protein structure and function are either unavailable or do not agree on the potential impact of this missense change (SIFT: "Not Available"; PolyPhen-2: "Probably Damaging"; Align-GVGD: "Not Available"). This variant has not been reported in the literature in individuals affected with JAK1-related conditions. This variant is not present in population databases (ExAC no frequency). This sequence change replaces glycine with cysteine at codon 1097 of the JAK1 protein (p.Gly1097Cys). The glycine residue is highly conserved and there is a large physicochemical difference between glycine and cysteine.